The following is an entry in ClinVar:

ClinVar aggregate classification (germline): Uncertain significance (0 of 4 stars; one submission).

Conditions:
CRYGS-related disorder. Also called: CRYGS-related condition.

gnomAD v4.1: 6 of 1,612,048 alleles (0.00037%); highest among the groups gnomAD compares: African/African-American, 0.0027%; no homozygotes.

Submission:

PreventionGenetics, part of Exact Sciences
Classification: Uncertain significance for CRYGS-related condition. Last evaluated: 2024-04-17. Review status: no assertion criteria provided. Collection method: clinical testing. Allele origin: germline.
Comment: The CRYGS c.232G>A variant is predicted to result in the amino acid substitution p.Asp78Asn. To our knowledge, this variant has not been reported in the literature. This variant is reported in 0.0062% of alleles in individuals of African descent in gnomAD. At this time, the clinical significance of this variant is uncertain due to the absence of conclusive functional and genetic evidence.

NM_017541.4(CRYGS):c.232G>A (p.Asp78Asn)

Gene: CRYGS (crystallin gamma S; minus strand). Cytogenetic location: 3q27.3.
Variant type: single nucleotide variant.
Coding change: c.232G>A on transcript NM_017541.4 (MANE Select); coding-DNA position 232, G replaced by A.
Protein change: p.Asp78Asn; replaces aspartic acid 78 with asparagine.
Molecular consequence: missense variant.
Genome position (GRCh38, 1-based): chr3:186,539,387, C>T on the plus strand (G>A on the coding strand, the complement: CRYGS is on the minus strand). VCF-style: chr3-186539387-C-T. GRCh37 (hg19) VCF-style: chr3-186257176-C-T.
Other names: short protein forms D78N.
Identifiers: ClinVar variation 3354286 (VCV003354286.1).